The following is an entry in ClinVar:

ClinVar aggregate classification (germline): Uncertain significance (1 of 4 stars; one submission).

gnomAD v4.1: 1 of 1,611,228 alleles (0.000062%); highest among the groups gnomAD compares: Admixed American, 0.0017%; no homozygotes.

Submission:

Labcorp Genetics (formerly Invitae), Labcorp
Classification: Uncertain significance. Last evaluated: 2022-12-18. Review status: criteria provided, single submitter. Criteria: Invitae Variant Classification Sherloc (09022015). Collection method: clinical testing. Allele origin: germline.
Comment: This sequence change replaces glutamine, which is neutral and polar, with histidine, which is basic and polar, at codon 612 of the REST protein (p.Gln612His). This variant is present in population databases (no rsID available, gnomAD 0.003%). This variant has not been reported in the literature in individuals affected with REST-related conditions. Algorithms developed to predict the effect of missense changes on protein structure and function output the following: SIFT: "Tolerated"; PolyPhen-2: "Benign"; Align-GVGD: "Class C0". The histidine amino acid residue is found in multiple mammalian species, which suggests that this missense change does not adversely affect protein function. In summary, the available evidence is currently insufficient to determine the role of this variant in disease. Therefore, it has been classified as a Variant of Uncertain Significance.

NM_005612.5(REST):c.1836G>C (p.Gln612His)

Gene: REST (RE1 silencing transcription factor; plus strand). Cytogenetic location: 4q12.
Variant type: single nucleotide variant.
Coding change: c.1836G>C on transcript NM_005612.5 (MANE Select); coding-DNA position 1836, G replaced by C.
Protein change: p.Gln612His; replaces glutamine 612 with histidine.
Molecular consequence: missense variant.
Genome position (GRCh38, 1-based): chr4:56,930,694, G>C. VCF-style: chr4-56930694-G-C. GRCh37 (hg19) VCF-style: chr4-57796860-G-C.
Other names: c.1836G>C, p.Gln612His (NM_001193508.2, NM_001363453.3); short protein forms Q612H.
Identifiers: ClinVar variation 2890909 (VCV002890909.3), dbSNP rs1401800389, ClinGen allele CA357007529.